The following is an entry in ClinVar:

ClinVar aggregate classification (germline): Pathogenic (1 of 4 stars; one submission).

Submission:

GeneDx
Classification: Pathogenic. Last evaluated: 2025-05-20. Review status: criteria provided, single submitter. Criteria: GeneDx Variant Classification Process June 2021. Collection method: clinical testing. Allele origin: germline. Affected: yes.
Comment: Frameshift variant predicted to result in protein truncation or nonsense mediated decay in a gene for which loss of function is a known mechanism of disease; Not observed at significant frequency in large population cohorts (gnomAD); Has not been previously published as pathogenic or benign to our knowledge

NM_000521.4(HEXB):c.274_277dup (p.Leu93fs)

Gene: HEXB (hexosaminidase subunit beta; plus strand). Cytogenetic location: 5q13.3.
Variant type: Duplication.
Coding change: c.274_277dup on transcript NM_000521.4 (MANE Select); coding-DNA positions 274 to 277, 4 bases duplicated (ACCC; older notation c.274_277dupACCC).
Protein change: p.Leu93fs; shifts the reading frame from leucine 93.
Molecular consequence: frameshift variant. On other transcripts: intron variant (1).
Genome position (GRCh38, 1-based): chr5:74,685,534-74,685,537, ACCC duplicated; duplicating any 4 consecutive bases within chr5:74,685,533-74,685,537 gives the same sequence; the c. name uses the placement nearest the transcript's 3' end. VCF-style (leftmost placement, unchanged base first): chr5-74685532-G-GCACC. GRCh37 (hg19) VCF-style: chr5-73981357-G-GCACC.
Other names: c.274_277dupACCC (NM_000521.3); c.-376-3794_-376-3791dup (NM_001292004.2); short protein forms L93fs.
Identifiers: ClinVar variation 373128 (VCV000373128.4), dbSNP rs1057518237, ClinGen allele CA16042525.